The following is an entry in ClinVar:

ClinVar aggregate classification (germline): Uncertain significance. Review status: criteria provided, multiple submitters, no conflicts (2 of 4 stars). 2 submissions from 2 submitters: Uncertain significance (2). Last evaluated 2025-09-29.

Conditions:
Hyper-IgE recurrent infection syndrome 3, autosomal recessive. Also called: HYPER-IgE SYNDROME 3, AUTOSOMAL RECESSIVE, WITH RECURRENT INFECTIONS; Autosomal recessive hyper-IgE syndrome due to ZNF341 deficiency. Identifiers: Orphanet 641368, MedGen C4748969, MONDO:0032654, OMIM 618282.

gnomAD v4.1: 6 of 1,614,146 alleles (0.00037%); highest among the groups gnomAD compares: Non-Finnish European, 0.00042%; no homozygotes.

Submissions (2):

Dasa
Classification: Uncertain significance. Last evaluated: 2025-09-29. Review status: criteria provided, single submitter. Criteria: DASA Assertion Criteria. Collection method: clinical testing. Allele origin: germline.
Comment: NM_203447.4(DOCK8):c.5812G>C (p.Glu1938Gln) is a missense variant that results in the substitution of glutamic acid with glutamine. This variant is rare in population databases. The currently available literature and clinical evidence are not sufficient to establish a definitive association between this variant and the reported condition. Therefore, this variant is classified as a variant of uncertain significance.

Labcorp Genetics (formerly Invitae), Labcorp
Classification: Uncertain significance for Combined immunodeficiency due to DOCK8 deficiency. Last evaluated: 2023-09-06. Review status: criteria provided, single submitter. Criteria: Invitae Variant Classification Sherloc (09022015). Collection method: clinical testing. Allele origin: germline.
Comment: This sequence change replaces glutamic acid, which is acidic and polar, with glutamine, which is neutral and polar, at codon 1938 of the DOCK8 protein (p.Glu1938Gln). This variant is present in population databases (no rsID available, gnomAD 0.0009%). This variant has not been reported in the literature in individuals affected with DOCK8-related conditions. ClinVar contains an entry for this variant (Variation ID: 2133249). Advanced modeling of protein sequence and biophysical properties (such as structural, functional, and spatial information, amino acid conservation, physicochemical variation, residue mobility, and thermodynamic stability) performed at Invitae indicates that this missense variant is not expected to disrupt DOCK8 protein function. In summary, the available evidence is currently insufficient to determine the role of this variant in disease. Therefore, it has been classified as a Variant of Uncertain Significance.

NM_203447.4(DOCK8):c.5812G>C (p.Glu1938Gln)

Gene: DOCK8 (dedicator of cytokinesis 8; plus strand). Cytogenetic location: 9p24.3.
Variant type: single nucleotide variant.
Coding change: c.5812G>C on transcript NM_203447.4 (MANE Select); coding-DNA position 5812, G replaced by C.
Protein change: p.Glu1938Gln; replaces glutamic acid 1938 with glutamine.
Molecular consequence: missense variant.
Genome position (GRCh38, 1-based): chr9:446,601, G>C. VCF-style: chr9-446601-G-C. GRCh37 (hg19) VCF-style: chr9-446601-G-C.
Other names: c.5512G>C, p.Glu1838Gln (NM_001190458.2); c.5608G>C, p.Glu1870Gln (NM_001193536.2); short protein forms E1838Q, E1870Q, E1938Q.
Identifiers: ClinVar variation 2133249 (VCV002133249.4), dbSNP rs1229058744, ClinGen allele CA372769266.